The following is an entry in ClinVar:

ClinVar aggregate classification (germline): Uncertain significance (1 of 4 stars; one submission).

Submission:

Ambry Genetics
Classification: Uncertain significance. Last evaluated: 2024-08-24. Review status: criteria provided, single submitter. Criteria: Ambry Variant Classification Scheme 2023. Collection method: clinical testing. Allele origin: germline.
Comment: The p.R158G variant (also known as c.472A>G), located in coding exon 6 of the RAD54L gene, results from an A to G substitution at nucleotide position 472. The arginine at codon 158 is replaced by glycine, an amino acid with dissimilar properties. This amino acid position is conserved. In addition, this alteration is predicted to be deleterious by in silico analysis. Based on the available evidence, the clinical significance of this variant remains unclear.

NM_003579.4(RAD54L):c.472A>G (p.Arg158Gly)

Gene: RAD54L (RAD54 like; plus strand). Cytogenetic location: 1p34.1.
Variant type: single nucleotide variant.
Coding change: c.472A>G on transcript NM_003579.4 (MANE Select); coding-DNA position 472, A replaced by G.
Protein change: p.Arg158Gly; replaces arginine 158 with glycine.
Molecular consequence: missense variant. On other transcripts: 5 prime UTR variant (1).
Genome position (GRCh38, 1-based): chr1:46,260,606, A>G. VCF-style: chr1-46260606-A-G. GRCh37 (hg19) VCF-style: chr1-46726278-A-G.
Other names: c.472A>G, p.Arg158Gly (NM_001142548.2); c.-69A>G (NM_001370766.1); short protein forms R158G.
Identifiers: ClinVar variation 3429810 (VCV003429810.1).